The following is an entry in ClinVar:

ClinVar aggregate classification (germline): Uncertain significance (1 of 4 stars; one submission).

Conditions:
Neurofibromatosis, type 1 (NF1). Also called: Peripheral type neurofibromatosis; NEUROFIBROMATOSIS, TYPE I, SOMATIC; VON RECKLINGHAUSEN DISEASE; Neurofibromatosis, type I. Identifiers: Orphanet 636, MedGen C0027831, MONDO:0018975, OMIM 162200. Disease mechanism: loss of function.

Submission:

Labcorp Genetics (formerly Invitae), Labcorp
Classification: Uncertain significance for Neurofibromatosis, type 1. Last evaluated: 2023-07-29. Review status: criteria provided, single submitter. Criteria: Invitae Variant Classification Sherloc (09022015). Collection method: clinical testing. Allele origin: germline.
Comment: In summary, the available evidence is currently insufficient to determine the role of this variant in disease. Therefore, it has been classified as a Variant of Uncertain Significance. Advanced modeling of protein sequence and biophysical properties (such as structural, functional, and spatial information, amino acid conservation, physicochemical variation, residue mobility, and thermodynamic stability) performed at Invitae indicates that this missense variant is expected to disrupt NF1 protein function. This variant has not been reported in the literature in individuals affected with NF1-related conditions. This variant is not present in population databases (gnomAD no frequency). This sequence change replaces serine, which is neutral and polar, with leucine, which is neutral and non-polar, at codon 168 of the NF1 protein (p.Ser168Leu).

NM_001042492.3(NF1):c.503C>T (p.Ser168Leu)

Gene: NF1 (neurofibromin 1; plus strand). Cytogenetic location: 17q11.2.
Variant type: single nucleotide variant.
Coding change: c.503C>T on transcript NM_001042492.3 (MANE Select); coding-DNA position 503, C replaced by T.
Protein change: p.Ser168Leu; replaces serine 168 with leucine.
Molecular consequence: missense variant.
Genome position (GRCh38, 1-based): chr17:31,169,914, C>T. VCF-style: chr17-31169914-C-T. GRCh37 (hg19) VCF-style: chr17-29496932-C-T.
Other names: c.503C>T, p.Ser168Leu (NM_000267.4, NM_001128147.3); short protein forms S168L.
Identifiers: ClinVar variation 2748047 (VCV002748047.3), dbSNP rs1131691994, ClinGen allele CA398984859.